The following is an entry in ClinVar:

NM_018979.4(WNK1):c.421G>A (p.Ala141Thr)

Gene: WNK1 (WNK lysine deficient protein kinase 1; plus strand). Cytogenetic location: 12p13.33.
Variant type: single nucleotide variant.
Coding change: c.421G>A on transcript NM_018979.4 (MANE Select); coding-DNA position 421, G replaced by A.
Protein change: p.Ala141Thr; replaces alanine 141 with threonine.
Molecular consequence: missense variant.
Genome position (GRCh38, 1-based): chr12:753,986, G>A. VCF-style: chr12-753986-G-A. GRCh37 (hg19) VCF-style: chr12-863152-G-A.
Other names: p.A141T:GCC>ACC; c.421G>A, p.Ala141Thr (NM_001184985.2, NM_014823.3, NM_213655.5); short protein forms A141T.
Identifiers: ClinVar variation 137927 (VCV000137927.21), dbSNP rs11554421, ClinGen allele CA291640.

ClinVar aggregate classification (germline): Benign. Review status: criteria provided, multiple submitters, no conflicts (2 of 4 stars). 9 submissions from 9 submitters: Benign (9). Last evaluated 2026-02-04.

Conditions:
Neuropathy, hereditary sensory and autonomic, type 2A (HSAN2A). Also called: WNK1-Related HSAN2 (HSAN2A); HSAN IIA; ACROOSTEOLYSIS, GIACCAI TYPE; ACROOSTEOLYSIS, NEUROGENIC; MORVAN DISEASE; NEUROPATHY, CONGENITAL SENSORY. Identifiers: Orphanet 970, MedGen C2752089, MONDO:0024309, OMIM 201300.
Pseudohypoaldosteronism type 2C (PHA2C). Also called: Pseudohypoaldosteronism Type IIC. Identifiers: Orphanet 757, Orphanet 88940, MedGen C1840391, MONDO:0013778, OMIM 614492.

Allele frequency attached by ClinVar (database versions not stated): 1000 Genomes Project 30x 0.07292; 1000 Genomes Project 0.07448; ESP Exome Variant Server 0.08020; TOPMed 0.08095; gnomAD 0.09706 and 0.09867; gnomAD exomes 0.12240 and 0.12272; ExAC 0.16333.
gnomAD v4.1: 191,113 of 1,591,360 alleles (12%); highest among the groups gnomAD compares: Middle Eastern, 17%; 12,812 homozygotes.

Submissions (9):

Labcorp Genetics (formerly Invitae), Labcorp
Classification: Benign for Neuropathy, hereditary sensory and autonomic, type 2A; Pseudohypoaldosteronism type 2C. Last evaluated: 2026-02-04. Review status: criteria provided, single submitter. Criteria: Invitae Variant Classification Sherloc (09022015). Collection method: clinical testing. Allele origin: germline.

Blueprint Genetics
Classification: Benign. Last evaluated: 2024-11-27. Review status: criteria provided, single submitter. Criteria: ACMG Guidelines, 2015. Collection method: clinical testing. Allele origin: germline.

Mayo Clinic Laboratories, Mayo Clinic
Classification: Benign. Last evaluated: 2022-03-09. Review status: criteria provided, single submitter. Criteria: ACMG Guidelines, 2015. Collection method: clinical testing. Allele origin: germline. Observed: 493 variant alleles.

Genome-Nilou Lab
Classification: Benign for Neuropathy, hereditary sensory and autonomic, type 2A. Last evaluated: 2021-07-14. Review status: criteria provided, single submitter. Criteria: ACMG Guidelines, 2015. Collection method: clinical testing. Allele origin: germline. Affected: no.

Athena Diagnostics
Classification: Benign. Last evaluated: 2018-08-07. Review status: criteria provided, single submitter. Criteria: Athena Diagnostics Criteria. Collection method: clinical testing. Allele origin: germline.

Illumina Laboratory Services, Illumina
Classification: Benign for Pseudohypoaldosteronism type 2C. Last evaluated: 2018-01-12. Review status: criteria provided, single submitter. Criteria: ICSL Variant Classification Criteria 13 December 2019. Collection method: clinical testing. Allele origin: germline.
Comment: This variant was observed in the ICSL laboratory as part of a predisposition screen in an ostensibly healthy population. It had not been previously curated by ICSL or reported in the Human Gene Mutation Database (HGMD: prior to June 1st, 2018), and was therefore a candidate for classification through an automated scoring system. Utilizing variant allele frequency, disease prevalence and penetrance estimates, and inheritance mode, an automated score was calculated to assess if this variant is too frequent to cause the disease. Based on the score and internal cut-off values, a variant classified as benign is not then subjected to further curation. The score for this variant resulted in a classification of benign for this disease.

GeneDx
Classification: Benign. Last evaluated: 2014-03-07. Review status: criteria provided, single submitter. Criteria: GeneDx Variant Classification (06012015). Collection method: clinical testing. Allele origin: germline. Affected: yes.
Comment: This variant is considered likely benign or benign based on one or more of the following criteria: it is a conservative change, it occurs at a poorly conserved position in the protein, it is predicted to be benign by multiple in silico algorithms, and/or has population frequency not consistent with disease.

Breakthrough Genomics
Classification: Benign. Review status: criteria provided, single submitter. Criteria: ACMG Guidelines, 2015. Collection method: not provided. Allele origin: germline. Inheritance: Autosomal recessive inheritance. Affected: yes.

PreventionGenetics, part of Exact Sciences
Classification: Benign. Review status: criteria provided, single submitter. Criteria: ACMG Guidelines, 2015. Collection method: clinical testing. Allele origin: germline.

Literature cited by the submitters: PubMed 17344846 (cited by Athena Diagnostics).